The following is an entry in ClinVar:

ClinVar aggregate classification (germline): Benign. Review status: criteria provided, multiple submitters, no conflicts (2 of 4 stars). 6 submissions from 4 submitters: Benign (6). Last evaluated 2021-07-22.

Conditions:
Myasthenic syndrome, congenital, 1A, slow-channel. Also called: Congenital myasthenic syndrome 1A; CMS IIa; MYASTHENIC SYNDROME, CONGENITAL, TYPE IIa. Identifiers: MedGen C2931107, MONDO:0011088, OMIM 601462.
Lethal multiple pterygium syndrome (LMPS). Identifiers: Orphanet 33108, MedGen C1854678, MONDO:0009668, OMIM 253290.
Myasthenic syndrome, congenital, 1B, fast-channel. Also called: Fast-Channel Congenital Myasthenia Syndrome. Identifiers: Orphanet 590, MedGen C4225405, MONDO:0012156, OMIM 608930.

Allele frequency attached by ClinVar (database versions not stated): TOPMed 0.99697; gnomAD 0.99734 and 0.99754; ESP Exome Variant Server 0.99777; 1000 Genomes Project 0.99820; 1000 Genomes Project 30x 0.99844; ExAC 0.99933; gnomAD exomes 0.99947 and 0.99974.
gnomAD v4.1: 1,613,179 of 1,613,942 alleles (100%); highest among the groups gnomAD compares: Middle Eastern, 100%; 806,214 homozygotes.

Submissions (6):

Genome-Nilou Lab
Classification: Benign for Lethal multiple pterygium syndrome. Last evaluated: 2021-07-22. Review status: criteria provided, single submitter. Criteria: ACMG Guidelines, 2015. Collection method: clinical testing. Allele origin: germline. Affected: no.

Genome-Nilou Lab
Classification: Benign for Myasthenic syndrome, congenital, 1A, slow-channel. Last evaluated: 2021-07-22. Review status: criteria provided, single submitter. Criteria: ACMG Guidelines, 2015. Collection method: clinical testing. Allele origin: germline. Affected: no.

Genome-Nilou Lab
Classification: Benign for Myasthenic syndrome, congenital, 1B, fast-channel. Last evaluated: 2021-07-22. Review status: criteria provided, single submitter. Criteria: ACMG Guidelines, 2015. Collection method: clinical testing. Allele origin: germline. Affected: no.

GeneDx
Classification: Benign. Last evaluated: 2018-06-16. Review status: criteria provided, single submitter. Criteria: GeneDx Variant Classification (06012015). Collection method: clinical testing. Allele origin: germline. Affected: yes.
Comment: This variant is considered likely benign or benign based on one or more of the following criteria: it is a conservative change, it occurs at a poorly conserved position in the protein, it is predicted to be benign by multiple in silico algorithms, and/or has population frequency not consistent with disease.

Breakthrough Genomics
Classification: Benign. Review status: criteria provided, single submitter. Criteria: ACMG Guidelines, 2015. Collection method: not provided. Allele origin: germline. Inheritance: Autosomal recessive inheritance. Affected: yes.

PreventionGenetics, part of Exact Sciences
Classification: Benign. Review status: criteria provided, single submitter. Criteria: ACMG Guidelines, 2015. Collection method: clinical testing. Allele origin: germline.

NM_000079.4(CHRNA1):c.235-385C>T

Gene: CHRNA1 (cholinergic receptor nicotinic alpha 1 subunit; minus strand). Cytogenetic location: 2q31.1.
Variant type: single nucleotide variant.
Coding change: c.235-385C>T on transcript NM_000079.4 (MANE Select); 385 bases into the intron before coding-DNA position 235, C replaced by T.
Molecular consequence: intron variant.
Genome position (GRCh38, 1-based): chr2:174,758,060, G>A on the plus strand (C>T on the coding strand, the complement: CHRNA1 is on the minus strand). VCF-style: chr2-174758060-G-A. GRCh37 (hg19) VCF-style: chr2-175622788-G-A.
Other names: c.235-40C>T (NM_001039523.3).
Identifiers: ClinVar variation 257237 (VCV000257237.6), dbSNP rs2646164, ClinGen allele CA1974648.